The following is an entry in ClinVar:

NM_000639.3(FASLG):c.54T>A (p.Ser18Arg)

Gene: FASLG (Fas ligand; plus strand). Cytogenetic location: 1q24.3.
Variant type: single nucleotide variant.
Coding change: c.54T>A on transcript NM_000639.3 (MANE Select); coding-DNA position 54, T replaced by A.
Protein change: p.Ser18Arg; replaces serine 18 with arginine.
Molecular consequence: missense variant.
Genome position (GRCh38, 1-based): chr1:172,659,255, T>A. VCF-style: chr1-172659255-T-A. GRCh37 (hg19) VCF-style: chr1-172628395-T-A.
Other names: c.54T>A, p.Ser18Arg (NM_001302746.2); short protein forms S18R.
Identifiers: ClinVar variation 1045622 (VCV001045622.5), dbSNP rs1659080899, ClinGen allele CA343805005.
Genomic context (GRCh38, chr1:172,659,255, plus strand): 5'-AGCTGCCATGCAGCAGCCCTTCAATTACCCATATCCCCAGATCTACTGGGTGGACAGCAG[T>A]GCCAGCTCTCCCTGGGCCCCTCCAGGCACAGTTCTTCCCTGTCCAACCTCTGTGCCCAGA-3'
Protein context (NP_000630.1, residues 8-28): PYPQIYWVDS[Ser18Arg]ASSPWAPPGT

ClinVar aggregate classification (germline): Uncertain significance (1 of 4 stars; one submission).

Conditions:
Autoimmune lymphoproliferative syndrome type 1. Also called: AUTOIMMUNE LYMPHOPROLIFERATIVE SYNDROME, TYPE I, AUTOSOMAL DOMINANT. Identifiers: Orphanet 3261, MedGen C2717884, MONDO:0011158, OMIM 601859.

Submission:

Labcorp Genetics (formerly Invitae), Labcorp
Classification: Uncertain significance for Autoimmune lymphoproliferative syndrome. Last evaluated: 2020-03-28. Review status: criteria provided, single submitter. Criteria: Invitae Variant Classification Sherloc (09022015). Collection method: clinical testing. Allele origin: germline.
Comment: This sequence change replaces serine with arginine at codon 18 of the FASLG protein (p.Ser18Arg). The serine residue is moderately conserved and there is a moderate physicochemical difference between serine and arginine. This variant is not present in population databases (ExAC no frequency). In summary, the available evidence is currently insufficient to determine the role of this variant in disease. Therefore, it has been classified as a Variant of Uncertain Significance. Algorithms developed to predict the effect of missense changes on protein structure and function output the following: SIFT: "Deleterious"; PolyPhen-2: "Benign"; Align-GVGD: "Class C0". The arginine amino acid residue is found in multiple mammalian species, suggesting that this missense change does not adversely affect protein function. These predictions have not been confirmed by published functional studies and their clinical significance is uncertain. This variant has not been reported in the literature in individuals with FASLG-related conditions.